The following is an entry in ClinVar:

NM_138368.5(AP5B1):c.1631T>C (p.Leu544Pro)

Gene: AP5B1 (adaptor related protein complex 5 subunit beta 1; minus strand). Cytogenetic location: 11q13.1.
Variant type: single nucleotide variant.
Coding change: c.1631T>C on transcript NM_138368.5 (MANE Select); coding-DNA position 1631, T replaced by C.
Protein change: p.Leu544Pro; replaces leucine 544 with proline.
Molecular consequence: missense variant.
Genome position (GRCh38, 1-based): chr11:65,778,862, A>G on the plus strand (T>C on the coding strand, the complement: AP5B1 is on the minus strand). VCF-style: chr11-65778862-A-G. GRCh37 (hg19) VCF-style: chr11-65546333-A-G.
Other names: NC_000011.9:g.65546333A>G I NP_612377.4:p.(Leu544Pro); short protein forms L544P.
Identifiers: ClinVar variation 4879377 (VCV004879377.1).

ClinVar aggregate classification (germline): Likely pathogenic (1 of 4 stars; one submission).

Conditions:
Macular dystrophy with variable extraocular manifestations.

Submission:

Ophthalmic Genetics Group, Institute of Molecular and Clinical Ophthalmology Basel
Classification: Likely pathogenic for Macular dystrophy with variable extraocular manifestations. Last evaluated: 2026-06-01. Review status: criteria provided, single submitter. Criteria: ACMG Guidelines, 2015. Collection method: research. Allele origin: germline. Affected: yes. Observed: 1 variant allele.
Comment: This missense variant replaces a highly conserved leucine residue with proline at amino acid position 544 and is predicted to be deleterious by VEST4 and CADD. No effect on splicing is predicted. The variant is absent from gnomAD v4.1. Therefore, it was classified as Likely pathogenic based on ACMG/AMP criteria: PM3_mod, PM2_sup, PP3_mod, PP4_sup.